The following is an entry in ClinVar:

NM_001375567.1(FOCAD):c.719C>T (p.Thr240Ile)

Gene: FOCAD (focadhesin; plus strand). Cytogenetic location: 9p21.3.
Variant type: single nucleotide variant.
Coding change: c.719C>T on transcript NM_001375567.1 (MANE Select); coding-DNA position 719, C replaced by T.
Protein change: p.Thr240Ile; replaces threonine 240 with isoleucine.
Molecular consequence: missense variant.
Genome position (GRCh38, 1-based): chr9:20,770,051, C>T. VCF-style: chr9-20770051-C-T. GRCh37 (hg19) VCF-style: chr9-20770050-C-T.
Other names: c.719C>T, p.Thr240Ile (NM_001375568.1, NM_017794.5); c.614C>T, p.Thr205Ile (NM_001375570.1); c.719C>T (NM_017794.4); short protein forms T240I, T205I.
Identifiers: ClinVar variation 2525988 (VCV002525988.6), dbSNP rs141572748, ClinGen allele CA5006463.

ClinVar aggregate classification (germline): Conflicting classifications of pathogenicity. Review status: criteria provided, conflicting classifications (1 of 4 stars). 3 submissions from 3 submitters: Uncertain significance (1); Likely benign (1). 1 of the submissions does not count toward it. Last evaluated 2026-01-19.

Conditions:
FOCAD-related disorder. Also called: FOCAD-related condition.
Inborn genetic diseases. Identifiers: MedGen C0950123, MeSH D030342.

Allele frequency attached by ClinVar (database versions not stated): ESP Exome Variant Server 0.00092; gnomAD exomes 0.00012.

Submissions (3):

Labcorp Genetics (formerly Invitae), Labcorp
Classification: Likely benign. Last evaluated: 2026-01-19. Review status: criteria provided, single submitter. Criteria: Invitae Variant Classification Sherloc (09022015). Collection method: clinical testing. Allele origin: germline.

Ambry Genetics
Classification: Uncertain significance for Inborn genetic diseases. Last evaluated: 2023-06-01. Review status: criteria provided, single submitter. Criteria: Ambry Variant Classification Scheme 2023. Collection method: clinical testing. Allele origin: germline.

PreventionGenetics, part of Exact Sciences
Classification: Likely benign for FOCAD-related condition. Last evaluated: 2020-09-02. Review status: no assertion criteria provided. Collection method: clinical testing. Allele origin: germline. Not counted in ClinVar's aggregate classification.
Comment: This variant is classified as likely benign based on ACMG/AMP sequence variant interpretation guidelines (Richards et al. 2015 PMID: 25741868, with internal and published modifications).